The following is an entry in ClinVar:

NM_020738.4(KIDINS220):c.515C>G (p.Thr172Ser)

Gene: KIDINS220 (kinase D interacting substrate 220; minus strand). Cytogenetic location: 2p25.1.
Variant type: single nucleotide variant.
Coding change: c.515C>G on transcript NM_020738.4 (MANE Select); coding-DNA position 515, C replaced by G.
Protein change: p.Thr172Ser; replaces threonine 172 with serine.
Molecular consequence: missense variant. On other transcripts: non-coding transcript variant (2).
Genome position (GRCh38, 1-based): chr2:8,806,359, G>C on the plus strand (C>G on the coding strand, the complement: KIDINS220 is on the minus strand). VCF-style: chr2-8806359-G-C. GRCh37 (hg19) VCF-style: chr2-8946489-G-C.
Other names: c.518C>G, p.Thr173Ser (NM_001348729.2, NM_001348731.2, NM_001348734.2 and 3 more transcripts); c.515C>G, p.Thr172Ser (NM_001348732.2, NM_001348735.2, NM_001348738.2 and 3 more transcripts); c.389C>G, p.Thr130Ser (NM_001348736.2); short protein forms T173S, T172S, T130S.
Identifiers: ClinVar variation 1396173 (VCV001396173.6), dbSNP rs745361889, ClinGen allele CA42351717.

ClinVar aggregate classification (germline): Uncertain significance (1 of 4 stars; one submission).

Allele frequency attached by ClinVar (database versions not stated): gnomAD 0.00003; TOPMed 0.00003.
gnomAD v4.1: 26 of 1,603,782 alleles (0.0016%); highest among the groups gnomAD compares: African/African-American, 0.0027%; no homozygotes.

Submission:

Labcorp Genetics (formerly Invitae), Labcorp
Classification: Uncertain significance. Last evaluated: 2021-11-10. Review status: criteria provided, single submitter. Criteria: Invitae Variant Classification Sherloc (09022015). Collection method: clinical testing. Allele origin: germline.
Comment: Algorithms developed to predict the effect of missense changes on protein structure and function (SIFT, PolyPhen-2, Align-GVGD) all suggest that this variant is likely to be disruptive. In summary, the available evidence is currently insufficient to determine the role of this variant in disease. Therefore, it has been classified as a Variant of Uncertain Significance. This variant has not been reported in the literature in individuals affected with KIDINS220-related conditions. This variant is not present in population databases (gnomAD no frequency). This sequence change replaces threonine, which is neutral and polar, with serine, which is neutral and polar, at codon 172 of the KIDINS220 protein (p.Thr172Ser).